The following is an entry in ClinVar:

ClinVar aggregate classification (germline): Conflicting classifications of pathogenicity. Review status: criteria provided, conflicting classifications (1 of 4 stars). 3 submissions from 3 submitters: Likely pathogenic (1); Uncertain significance (2). Last evaluated 2025-07-17.

Conditions:
Hereditary cancer-predisposing syndrome. Also called: Neoplastic Syndromes, Hereditary; Hereditary Cancer Syndrome; Tumor predisposition; Hereditary neoplastic syndrome. Identifiers: Orphanet 140162, MedGen C0027672, MeSH D009386, MONDO:0015356.

Submissions (3):

Ambry Genetics
Classification: Uncertain significance for Hereditary cancer-predisposing syndrome. Last evaluated: 2025-07-17. Review status: criteria provided, single submitter. Criteria: Ambry Variant Classification Scheme 2023. Collection method: clinical testing. Allele origin: germline.
Comment: The c.6736_6755del20insCA variant (also known as p.C2246_T2252delinsH), located in coding exon 45 of the ATM gene, results from an in-frame deletion of TGTATTAAGGACATTCTCAC and insertion of CA at nucleotide positions 6736 to 6755. This results in the substitution of seven residues for a histidine residue at codon 2246, an amino acid with highly similar properties. This variant has been identified in the homozygous state in an individual with features consistent with Ataxia telangiectasia (Castellv&iacute;-Bel S et al. Hum Mutat, 1999;14:156-62). This amino acid region is not well conserved in available vertebrate species. In addition, this variant is predicted to be deleterious by in silico analysis (Choi Y et al. PLoS ONE. 2012; 7(10):e46688). Based on the available evidence, the clinical significance of this variant remains unclear.

Color Diagnostics, LLC DBA Color Health
Classification: Uncertain significance for Hereditary cancer-predisposing syndrome. Last evaluated: 2023-05-23. Review status: criteria provided, single submitter. Criteria: ACMG Guidelines, 2015. Collection method: clinical testing. Allele origin: germline.
Comment: This variant causes the in-frame deletion of seven amino acids and insertion of histidine in exon 46 of the ATM protein. To our knowledge, functional studies have not been reported for this variant. This variant has been reported in the homozygous state in an individual affected with ataxia-telangiectasia (PMID: 10425038). This variant has not been identified in the general population by the Genome Aggregation Database (gnomAD). The available evidence is insufficient to determine the role of this variant in disease conclusively. Therefore, this variant is classified as a Variant of Uncertain Significance.

GeneDx
Classification: Likely pathogenic. Last evaluated: 2017-07-24. Review status: criteria provided, single submitter. Criteria: GeneDx Variant Classification (06012015). Collection method: clinical testing. Allele origin: germline. Affected: yes.
Comment: This variant is denoted ATM c.6736_6755del20insCA at the cDNA level and p.Cys2246_Thr2252delinsHis (C2246_T2252delinsH) at the protein level. The surrounding sequence is AGAA[del20][insCA]CAAA. This in-frame deletion and insertion results in the deletion of seven correct residues and the addition of one incorrect residue (Histidine). This variant has been reported in the homozygous state in an individual with ataxia-telangiectasia (Castellvi-Bel 1999). ATM c.6736_6755del20insCA was not observed in large population cohorts (NHLBI Exome Sequencing Project, The 1000 Genomes Consortium 2015, Lek 2016). Even though this variant results in an in-frame transcript, the deleted residues are located within the FAT domain (Stracker 2013), and most are either conserved or conserved through mammals. In silico analyses predict that this variant is probably damaging to protein structure and function. Based on currently available evidence, we consider this variant to be likely pathogenic.

Literature cited by the submitters: PubMed 10425038 (cited by Ambry Genetics and Color Diagnostics, LLC DBA Color Health).

NM_000051.4(ATM):c.6736_6755delinsCA (p.Cys2246_Thr2252delinsHis)

Genes: ATM (ATM serine/threonine kinase; plus strand), C11orf65 (chromosome 11 open reading frame 65; minus strand). Cytogenetic location: 11q22.3.
Variant type: Indel.
Coding change: c.6736_6755delinsCA on transcript NM_000051.4 (MANE Select); coding-DNA positions 6736 to 6755, TGTATTAAGGACATTCTCAC replaced by CA.
Protein change: p.Cys2246_Thr2252delinsHis.
Molecular consequence: inframe indel. On other transcripts: intron variant (2).
Genome position (GRCh38, 1-based): chr11:108,325,473-108,325,492, TGTATTAAGGACATTCTCAC replaced by CA. VCF-style: chr11-108325473-TGTATTAAGGACATTCTCAC-CA. GRCh37 (hg19) VCF-style: chr11-108196200-TGTATTAAGGACATTCTCAC-CA.
Other names: c.6736_6755delinsCA, p.Cys2246_Thr2252delinsHis (NM_001351834.2); c.641-16421_641-16402delinsTG (NM_001330368.2); c.*38+9728_*38+9747delinsTG (NM_001351110.2).
Identifiers: ClinVar variation 420013 (VCV000420013.6), dbSNP rs1064794237, ClinGen allele CA16619220.